The following is an entry in ClinVar:

ClinVar aggregate classification (germline): Uncertain significance. Review status: criteria provided, multiple submitters, no conflicts (2 of 4 stars). 5 submissions from 5 submitters: Uncertain significance (4). 1 of the submissions does not count toward it. Last evaluated 2025-09-01.

Conditions:
Inborn genetic diseases. Identifiers: MedGen C0950123, MeSH D030342.
Achromatopsia. Also called: Rod monochromatism. Identifiers: Orphanet 49382, MedGen C0152200, MONDO:0018852, HP:0011516.
CNGB3-related retinopathy. Also called: CNGB3 retinopathy. Identifiers: MedGen CN305596, MONDO:0100446.

Allele frequency attached by ClinVar (database versions not stated): ExAC 0.00006; gnomAD exomes 0.00006 and 0.00025; TOPMed 0.00012; gnomAD 0.00014.
gnomAD v4.1: 383 of 1,613,702 alleles (0.024%); highest among the groups gnomAD compares: Non-Finnish European, 0.031%; no homozygotes.

Submissions (5):

Ambry Genetics
Classification: Uncertain significance for Inborn genetic diseases. Last evaluated: 2025-09-01. Review status: criteria provided, single submitter. Criteria: Ambry Variant Classification Scheme 2023. Collection method: clinical testing. Allele origin: germline.

Labcorp Genetics (formerly Invitae), Labcorp
Classification: Uncertain significance. Last evaluated: 2025-01-15. Review status: criteria provided, single submitter. Criteria: Invitae Variant Classification Sherloc (09022015). Collection method: clinical testing. Allele origin: germline.
Comment: This sequence change replaces glutamic acid, which is acidic and polar, with aspartic acid, which is acidic and polar, at codon 745 of the CNGB3 protein (p.Glu745Asp). This variant is present in population databases (rs201770811, gnomAD 0.01%). This variant has not been reported in the literature in individuals affected with CNGB3-related conditions. ClinVar contains an entry for this variant (Variation ID: 854439). Invitae Evidence Modeling of protein sequence and biophysical properties (such as structural, functional, and spatial information, amino acid conservation, physicochemical variation, residue mobility, and thermodynamic stability) indicates that this missense variant is not expected to disrupt CNGB3 protein function with a negative predictive value of 95%. In summary, the available evidence is currently insufficient to determine the role of this variant in disease. Therefore, it has been classified as a Variant of Uncertain Significance.

Blueprint Genetics
Classification: Uncertain significance. Last evaluated: 2024-11-26. Review status: criteria provided, single submitter. Criteria: ACMG Guidelines, 2015. Collection method: clinical testing. Allele origin: germline.

Department of Pathology and Laboratory Medicine, Sinai Health System
Classification: Uncertain significance for CNGB3-related retinopathy. Last evaluated: 2021-07-30. Review status: criteria provided, single submitter. Criteria: ACMG Guidelines, 2015. Collection method: research. Allele origin: germline.

Natera, Inc.
Classification: Uncertain significance for Achromatopsia. Last evaluated: 2020-04-14. Review status: no assertion criteria provided. Collection method: clinical testing. Allele origin: germline. Not counted in ClinVar's aggregate classification.

NM_019098.5(CNGB3):c.2235G>C (p.Glu745Asp)

Gene: CNGB3 (cyclic nucleotide gated channel subunit beta 3; minus strand). Cytogenetic location: 8q21.3.
Variant type: single nucleotide variant.
Coding change: c.2235G>C on transcript NM_019098.5 (MANE Select); coding-DNA position 2235, G replaced by C.
Protein change: p.Glu745Asp; replaces glutamic acid 745 with aspartic acid.
Molecular consequence: missense variant.
Genome position (GRCh38, 1-based): chr8:86,575,999, C>G on the plus strand (G>C on the coding strand, the complement: CNGB3 is on the minus strand). VCF-style: chr8-86575999-C-G. GRCh37 (hg19) VCF-style: chr8-87588227-C-G.
Other names: short protein forms E745D.
Identifiers: ClinVar variation 854439 (VCV000854439.10), dbSNP rs201770811, ClinGen allele CA4799768.